The following is an entry in ClinVar:

ClinVar aggregate classification (germline): Uncertain significance (1 of 4 stars; one submission).

Conditions:
Generalized epilepsy with febrile seizures plus, type 7 (GEFSP7). Also called: GEFS+, TYPE 7. Identifiers: Orphanet 36387, MedGen C2751778, MONDO:0013470, OMIM 613863.
Neuropathy, hereditary sensory and autonomic, type 2A (HSAN2A). Also called: WNK1-Related HSAN2 (HSAN2A); ACROOSTEOLYSIS, GIACCAI TYPE; ACROOSTEOLYSIS, NEUROGENIC; NEUROPATHY, HEREDITARY SENSORY, TYPE IIA; NEUROPATHY, PROGRESSIVE SENSORY, OF CHILDREN; HSAN IIA. Identifiers: Orphanet 970, MedGen C2752089, MONDO:0024309, OMIM 201300.

Allele frequency attached by ClinVar (database versions not stated): TOPMed below 0.00001; ExAC 0.00001; gnomAD 0.00001; gnomAD exomes 0.00002 and 0.00003.
gnomAD v4.1: 41 of 1,613,824 alleles (0.0025%); highest among the groups gnomAD compares: South Asian, 0.0033%; no homozygotes.

Submission:

Labcorp Genetics (formerly Invitae), Labcorp
Classification: Uncertain significance for Neuropathy, hereditary sensory and autonomic, type 2A; Generalized epilepsy with febrile seizures plus, type 7. Last evaluated: 2025-11-24. Review status: criteria provided, single submitter. Criteria: Invitae Variant Classification Sherloc (09022015). Collection method: clinical testing. Allele origin: germline.
Comment: This sequence change replaces threonine, which is neutral and polar, with methionine, which is neutral and non-polar, at codon 893 of the SCN9A protein (p.Thr893Met). This variant is present in population databases (rs201432813, gnomAD 0.004%). This variant has not been reported in the literature in individuals affected with SCN9A-related conditions. ClinVar contains an entry for this variant (Variation ID: 664203). Invitae Evidence Modeling of protein sequence and biophysical properties (such as structural, functional, and spatial information, amino acid conservation, physicochemical variation, residue mobility, and thermodynamic stability) indicates that this missense variant is not expected to disrupt SCN9A protein function with a negative predictive value of 95%. In summary, the available evidence is currently insufficient to determine the role of this variant in disease. Therefore, it has been classified as a Variant of Uncertain Significance.

NM_001365536.1(SCN9A):c.2711C>T (p.Thr904Met)

Genes: SCN9A (sodium voltage-gated channel alpha subunit 9; minus strand), SCN1A-AS1 (SCN1A and SCN9A antisense RNA 1; plus strand). Cytogenetic location: 2q24.3.
Variant type: single nucleotide variant.
Coding change: c.2711C>T on transcript NM_001365536.1 (MANE Select); coding-DNA position 2711, C replaced by T.
Protein change: p.Thr904Met; replaces threonine 904 with methionine.
Molecular consequence: missense variant. On other transcripts: non-coding transcript variant (1).
Genome position (GRCh38, 1-based): chr2:166,277,146, G>A on the plus strand (C>T on the coding strand, the complement: SCN9A is on the minus strand). VCF-style: chr2-166277146-G-A. GRCh37 (hg19) VCF-style: chr2-167133656-G-A.
Other names: c.2678C>T, p.Thr893Met (NM_002977.4); short protein forms T904M, T893M.
Identifiers: ClinVar variation 664203 (VCV000664203.11), dbSNP rs201432813, ClinGen allele CA1944217.